The following is an entry in ClinVar:

NM_001145358.2(SIN3A):c.45C>G (p.Ala15=)

Gene: SIN3A (SIN3 transcription regulator family member A; minus strand). Cytogenetic location: 15q24.2.
Variant type: single nucleotide variant.
Coding change: c.45C>G on transcript NM_001145358.2 (MANE Select); coding-DNA position 45, C replaced by G.
Protein change: p.Ala15=; no amino-acid change (alanine 15 retained).
Molecular consequence: synonymous variant.
Genome position (GRCh38, 1-based): chr15:75,430,331, G>C on the plus strand (C>G on the coding strand, the complement: SIN3A is on the minus strand). VCF-style: chr15-75430331-G-C. GRCh37 (hg19) VCF-style: chr15-75722672-G-C.
Other names: c.45C>G, p.Ala15= (NM_001437462.1, NM_001437463.1, NM_015477.3 and 1 more transcripts).
Identifiers: ClinVar variation 5040998 (VCV005040998.1).

ClinVar aggregate classification (germline): Likely benign (1 of 4 stars; one submission).

gnomAD v4.1: 10 of 1,613,942 alleles (0.00062%); highest among the groups gnomAD compares: Middle Eastern, 0.016%; no homozygotes.

Submission:

CeGaT Center for Human Genetics Tuebingen
Classification: Likely benign. Last evaluated: 2026-09-01. Review status: criteria provided, single submitter. Criteria: CeGaT Center For Human Genetics Tuebingen Variant Classification Criteria Version 2. Collection method: clinical testing. Allele origin: germline. Affected: yes. Observed: 1 variant allele.
Comment: SIN3A: BP4, BP7